The following is an entry in ClinVar:

ClinVar aggregate classification (germline): Likely benign. Review status: criteria provided, multiple submitters, no conflicts (2 of 4 stars). 3 submissions from 3 submitters: Likely benign (3). Last evaluated 2025-10-16.

Conditions:
Hereditary cancer-predisposing syndrome. Also called: Hereditary Cancer Syndrome; Hereditary neoplastic syndrome; Neoplastic Syndromes, Hereditary; Tumor predisposition. Identifiers: Orphanet 140162, MedGen C0027672, MeSH D009386, MONDO:0015356.

Allele frequency attached by ClinVar (database versions not stated): gnomAD exomes 0.00001; ExAC 0.00002; ESP Exome Variant Server 0.00008.
gnomAD v4.1: 1 of 1,611,486 alleles (0.000062%); highest among the groups gnomAD compares: African/African-American, 0.0013%; no homozygotes.

Submissions (3):

Labcorp Genetics (formerly Invitae), Labcorp
Classification: Likely benign. Last evaluated: 2025-10-16. Review status: criteria provided, single submitter. Criteria: Invitae Variant Classification Sherloc (09022015). Collection method: clinical testing. Allele origin: germline.

Ambry Genetics
Classification: Likely benign for Hereditary cancer-predisposing syndrome. Last evaluated: 2025-03-05. Review status: criteria provided, single submitter. Criteria: Ambry Variant Classification Scheme 2023. Collection method: clinical testing. Allele origin: germline.

GeneDx
Classification: Likely benign. Last evaluated: 2016-10-03. Review status: criteria provided, single submitter. Criteria: GeneDx Variant Classification (06012015). Collection method: clinical testing. Allele origin: germline. Affected: yes.
Comment: This variant is considered likely benign or benign based on one or more of the following criteria: it is a conservative change, it occurs at a poorly conserved position in the protein, it is predicted to be benign by multiple in silico algorithms, and/or has population frequency not consistent with disease.

NM_006231.4(POLE):c.1687-4C>G

Gene: POLE (DNA polymerase epsilon, catalytic subunit; minus strand). Cytogenetic location: 12q24.33.
Variant type: single nucleotide variant.
Coding change: c.1687-4C>G on transcript NM_006231.4 (MANE Select); 4 bases into the intron before coding-DNA position 1687, C replaced by G.
Molecular consequence: intron variant.
Genome position (GRCh38, 1-based): chr12:132,672,326, G>C on the plus strand (C>G on the coding strand, the complement: POLE is on the minus strand). VCF-style: chr12-132672326-G-C. GRCh37 (hg19) VCF-style: chr12-133248912-G-C.
Identifiers: ClinVar variation 389864 (VCV000389864.15), dbSNP rs375705244, ClinGen allele CA6893856.